The following is an entry in ClinVar:

NM_002900.3(RBP3):c.1631G>T (p.Arg544Leu)

Gene: RBP3 (retinol binding protein 3; plus strand). Cytogenetic location: 10q11.22.
Variant type: single nucleotide variant.
Coding change: c.1631G>T on transcript NM_002900.3 (MANE Select); coding-DNA position 1631, G replaced by T.
Protein change: p.Arg544Leu; replaces arginine 544 with leucine.
Molecular consequence: missense variant.
Genome position (GRCh38, 1-based): chr10:47,350,115, G>T. VCF-style: chr10-47350115-G-T. GRCh37 (hg19) VCF-style: chr10-48389247-C-A.
Other names: short protein forms R544L.
Identifiers: ClinVar variation 2133835 (VCV002133835.4), dbSNP rs41284962, ClinGen allele CA376671088.

ClinVar aggregate classification (germline): Uncertain significance (1 of 4 stars; one submission).

Submission:

Labcorp Genetics (formerly Invitae), Labcorp
Classification: Uncertain significance. Last evaluated: 2022-08-20. Review status: criteria provided, single submitter. Criteria: Invitae Variant Classification Sherloc (09022015). Collection method: clinical testing. Allele origin: germline.
Comment: This variant has not been reported in the literature in individuals affected with RBP3-related conditions. This variant is not present in population databases (gnomAD no frequency). This sequence change replaces arginine, which is basic and polar, with leucine, which is neutral and non-polar, at codon 544 of the RBP3 protein (p.Arg544Leu). Algorithms developed to predict the effect of missense changes on protein structure and function are either unavailable or do not agree on the potential impact of this missense change (SIFT: "Deleterious"; PolyPhen-2: "Possibly Damaging"; Align-GVGD: "Class C0"). In summary, the available evidence is currently insufficient to determine the role of this variant in disease. Therefore, it has been classified as a Variant of Uncertain Significance.